The following is an entry in ClinVar:

NM_017415.3(KLHL3):c.1021+5G>A

Gene: KLHL3 (kelch like family member 3; minus strand). Cytogenetic location: 5q31.2.
Variant type: single nucleotide variant.
Coding change: c.1021+5G>A on transcript NM_017415.3 (MANE Select); 5 bases into the intron after coding-DNA position 1021, G replaced by A.
Molecular consequence: intron variant.
Genome position (GRCh38, 1-based): chr5:137,639,855, C>T on the plus strand (G>A on the coding strand, the complement: KLHL3 is on the minus strand). VCF-style: chr5-137639855-C-T. GRCh37 (hg19) VCF-style: chr5-136975544-C-T.
Other names: c.925+5G>A (NM_001257194.1); c.775+5G>A (NM_001257195.2).
Identifiers: ClinVar variation 350989 (VCV000350989.9), dbSNP rs183499982, ClinGen allele CA3422320.

ClinVar aggregate classification (germline): Conflicting classifications of pathogenicity. Review status: criteria provided, conflicting classifications (1 of 4 stars). 2 submissions from 2 submitters: Uncertain significance (1); Benign (1). Last evaluated 2024-09-01.

Conditions:
Pseudohypoaldosteronism type 2D (PHA2D). Also called: FAMILIAL HYPERKALEMIC HYPERTENSION; PSEUDOHYPOALDOSTERONISM, TYPE IID, AUTOSOMAL DOMINANT OR RECESSIVE; Pseudohypoaldosteronism Type IID. Identifiers: Orphanet 300525, Orphanet 757, MedGen C3469605, MONDO:0013781, OMIM 614495.

Allele frequency attached by ClinVar (database versions not stated): gnomAD 0.00002 and 0.00005; TOPMed 0.00002; gnomAD exomes 0.00009 and 0.00010; ExAC 0.00013; 1000 Genomes Project 30x 0.00016; 1000 Genomes Project 0.00020.
gnomAD v4.1: 138 of 1,610,600 alleles (0.0086%); highest among the groups gnomAD compares: East Asian, 0.3%; 1 homozygote.

Submissions (2):

Labcorp Genetics (formerly Invitae), Labcorp
Classification: Uncertain significance. Last evaluated: 2024-09-01. Review status: criteria provided, single submitter. Criteria: Invitae Variant Classification Sherloc (09022015). Collection method: clinical testing. Allele origin: germline.
Comment: This sequence change falls in intron 9 of the KLHL3 gene. It does not directly change the encoded amino acid sequence of the KLHL3 protein. It affects a nucleotide within the consensus splice site. This variant is present in population databases (rs183499982, gnomAD 0.1%). This variant has not been reported in the literature in individuals affected with KLHL3-related conditions. ClinVar contains an entry for this variant (Variation ID: 350989). Variants that disrupt the consensus splice site are a relatively common cause of aberrant splicing (PMID: 17576681, 9536098). Algorithms developed to predict the effect of sequence changes on RNA splicing suggest that this variant is not likely to affect RNA splicing. In summary, the available evidence is currently insufficient to determine the role of this variant in disease. Therefore, it has been classified as a Variant of Uncertain Significance.

Illumina Laboratory Services, Illumina
Classification: Benign for Pseudohypoaldosteronism type 2D. Last evaluated: 2018-01-13. Review status: criteria provided, single submitter. Criteria: ICSL Variant Classification Criteria 13 December 2019. Collection method: clinical testing. Allele origin: germline.
Comment: This variant was observed in the ICSL laboratory as part of a predisposition screen in an ostensibly healthy population. It had not been previously curated by ICSL or reported in the Human Gene Mutation Database (HGMD: prior to June 1st, 2018), and was therefore a candidate for classification through an automated scoring system. Utilizing variant allele frequency, disease prevalence and penetrance estimates, and inheritance mode, an automated score was calculated to assess if this variant is too frequent to cause the disease. Based on the score and internal cut-off values, a variant classified as benign is not then subjected to further curation. The score for this variant resulted in a classification of benign for this disease.

Literature cited by the submitters: PubMed 17576681 (cited by Labcorp Genetics (formerly Invitae), Labcorp); PubMed 9536098 (cited by Labcorp Genetics (formerly Invitae), Labcorp).